The following is an entry in ClinVar:

NM_001172509.2(SATB2):c.1564C>T (p.Arg522Cys)

Gene: SATB2 (SATB homeobox 2; minus strand). Cytogenetic location: 2q33.1.
Variant type: single nucleotide variant.
Coding change: c.1564C>T on transcript NM_001172509.2 (MANE Select); coding-DNA position 1564, C replaced by T.
Protein change: p.Arg522Cys; replaces arginine 522 with cysteine.
Molecular consequence: missense variant.
Genome position (GRCh38, 1-based): chr2:199,308,936, G>A on the plus strand (C>T on the coding strand, the complement: SATB2 is on the minus strand). VCF-style: chr2-199308936-G-A. GRCh37 (hg19) VCF-style: chr2-200173659-G-A.
Other names: c.1564C>T, p.Arg522Cys (NM_001172517.1, NM_015265.4); short protein forms R522C.
Identifiers: ClinVar variation 1208890 (VCV001208890.11), dbSNP rs1223371144, ClinGen allele CA350384647.
Genomic context (GRCh38, chr2:199,308,936, plus strand): 5'-GGATGGTACAGAGGTTTTCCCAGAGGGTGCGGTTTTCTGGGCTTGGGTTCTCCTTCCAGC[G>A]GAGCAGTTCACACAGCCAGCCCTGTAGAGAGAGGAGGTCGCTTGCATTAACCTGCAGAGT-3'
Protein context (NP_001165980.1, residues 512-532): KSQGWLCELL[Arg522Cys]WKENPSPENR

ClinVar aggregate classification (germline): Pathogenic/Likely pathogenic. Review status: criteria provided, multiple submitters, no conflicts (2 of 4 stars). 3 submissions from 3 submitters: Pathogenic (1); Likely pathogenic (2). Last evaluated 2026-10-19.

Conditions:
Chromosome 2q32-q33 deletion syndrome (GLASS). Also called: Glass syndrome; 2q33.1 deletion syndrome. Identifiers: Orphanet 251019, MedGen C2676739, MONDO:0012864, OMIM 612313.

Submissions (3):

GeneDx
Classification: Pathogenic. Last evaluated: 2026-10-19. Review status: criteria provided, single submitter. Criteria: GeneDx Variant Classification Process June 2021. Collection method: clinical testing. Allele origin: germline.
Comment: In silico analysis supports that this missense variant has a deleterious effect on protein structure/function; This variant is associated with the following publications: (PMID: 31021519, 35586607, 27535533)

Institute of Human Genetics, University of Leipzig Medical Center
Classification: Likely pathogenic for Chromosome 2q32-q33 deletion syndrome. Last evaluated: 2023-08-14. Review status: criteria provided, single submitter. Criteria: ACMG Guidelines, 2015. Collection method: clinical testing. Allele origin: unknown. Inheritance: Autosomal dominant inheritance. Affected: yes.
Comment: Criteria applied: PS2_MOD,PS4_MOD,PM1_SUP,PM2_SUP,PP2,PP3

Greenwood Genetic Center Diagnostic Laboratories, Greenwood Genetic Center
Classification: Likely pathogenic for Chromosome 2q32-q33 deletion syndrome. Last evaluated: 2022-12-16. Review status: criteria provided, single submitter. Criteria: ACMG Guidelines, 2015. Collection method: clinical testing. Allele origin: germline. Affected: yes.
Comment: PM2, PM6, PP2, PP3, PS4_supporting